The following is an entry in ClinVar:

ClinVar aggregate classification (germline): Likely benign. Review status: reviewed by expert panel (3 of 4 stars). 5 submissions from 5 submitters: Likely benign (1). 4 of the submissions do not count toward it. Last evaluated 2017-06-29.

Conditions:
Hereditary cancer-predisposing syndrome. Also called: Hereditary Cancer Syndrome; Neoplastic Syndromes, Hereditary; Hereditary neoplastic syndrome; Tumor predisposition. Identifiers: Orphanet 140162, MedGen C0027672, MeSH D009386, MONDO:0015356.
Hereditary breast ovarian cancer syndrome. Also called: Hereditary breast and ovarian cancer syndrome (HBOC); Breast and ovarian cancer; Hereditary breast and ovarian cancer syndrome; Hereditary breast and ovarian cancer; BRCA1- and BRCA2-Associated Hereditary Breast and Ovarian Cancer; Hereditary breast and/or ovarian cancer syndrome. Identifiers: Orphanet 145, MedGen C0677776, MeSH D061325, MONDO:0003582. Disease mechanism: loss of function.
Breast-ovarian cancer, familial, susceptibility to, 1 (BROVCA1). Also called: BRCA1 Hereditary Breast and Ovarian Cancer; OVARIAN CANCER, SUSCEPTIBILITY TO. Identifiers: Orphanet 145, MedGen C2676676, MONDO:0011450, OMIM 604370. Disease mechanism: loss of function.
Malignant tumor of breast. Also called: Malignant breast neoplasm; Cancer breast. Identifiers: MedGen C0006142, MONDO:0007254. Disease mechanism: loss of function.

Allele frequency attached by ClinVar (database versions not stated): gnomAD exomes 0.00001.
gnomAD v4.1: 9 of 1,613,960 alleles (0.00056%); highest among the groups gnomAD compares: Non-Finnish European, 0.00076%; no homozygotes.

Submissions (5):

Evidence-based Network for the Interpretation of Germline Mutant Alleles (ENIGMA)
Classification: Likely benign for Breast-ovarian cancer, familial, susceptibility to, 1. Last evaluated: 2017-06-29. Review status: reviewed by expert panel. Criteria: ENIGMA BRCA1/2 Classification Criteria (2017-06-29). Collection method: curation. Allele origin: germline.
Comment: Synonymous substitution variant, with low bioinformatic likelihood to result in a splicing aberration (Splicing prior probability 0.02).

Labcorp Genetics (formerly Invitae), Labcorp
Classification: Likely benign for Hereditary breast ovarian cancer syndrome. Last evaluated: 2022-03-25. Review status: criteria provided, single submitter. Criteria: Invitae Variant Classification Sherloc (09022015). Collection method: clinical testing. Allele origin: germline. Not counted in ClinVar's aggregate classification.

Ambry Genetics
Classification: Likely benign for Hereditary cancer-predisposing syndrome. Last evaluated: 2020-10-04. Review status: criteria provided, single submitter. Criteria: Ambry Variant Classification Scheme 2023. Collection method: clinical testing. Allele origin: germline. Not counted in ClinVar's aggregate classification.

Color Diagnostics, LLC DBA Color Health
Classification: Likely benign for Hereditary cancer-predisposing syndrome. Last evaluated: 2020-09-15. Review status: criteria provided, single submitter. Criteria: ACMG Guidelines, 2015. Collection method: clinical testing. Allele origin: germline. Not counted in ClinVar's aggregate classification.

Department of Pathology and Laboratory Medicine, Sinai Health System
Classification: Benign for Malignant tumor of breast. Review status: no assertion criteria provided. Collection method: clinical testing. Allele origin: unknown. Affected: yes. Study: The Canadian Open Genetics Repository (COGR). Not counted in ClinVar's aggregate classification.
Comment: The BRCA1 p.Arg1555= variant was not identified in the literature nor was it identified in the dbSNP, Genesight-COGR, Cosmic, MutDB, LOVD 3.0, BIC Database, ARUP Laboratories, Zhejiang Colon Cancer Database, databases. The variant was identified in ClinVar and in Clinvitae databases as Likely Benign by Invitae. The variant was not identified in the 1000 Genomes Project, the NHLBI GO Exome Sequencing Project or the Exome Aggregation Consortium (August 8th 2016) control databases. The p.Arg1555= variant is not expected to have clinical significance because it does not result in a change of amino acid and is not located in a known consensus splice site. In addition, in silico or computational prediction software programs (SpliceSiteFinder, MaxEntScan, NNSPLICE, GeneSplicer, HumanSpliceFinder) do not predict a difference in splicing. In summary, based on the above information this variant meets our laboratory's criteria to be classified as benign.

NM_007294.4(BRCA1):c.4665G>A (p.Arg1555=)

Gene: BRCA1 (BRCA1 DNA repair associated; minus strand). Cytogenetic location: 17q21.31.
Variant type: single nucleotide variant.
Coding change: c.4665G>A on transcript NM_007294.4 (MANE Select); coding-DNA position 4665, G replaced by A.
Protein change: p.Arg1555=; no amino-acid change (arginine 1555 retained).
Molecular consequence: synonymous variant. On other transcripts: intron variant (3).
Genome position (GRCh38, 1-based): chr17:43,074,341, C>T on the plus strand (G>A on the coding strand, the complement: BRCA1 is on the minus strand). VCF-style: chr17-43074341-C-T. GRCh37 (hg19) VCF-style: chr17-41226358-C-T.
Other names: c.4452G>A, p.Arg1484= (NM_001407571.1, NM_001407894.1, NM_001407895.1 and 12 more transcripts); c.4731G>A, p.Arg1577= (NM_001407581.1, NM_001407582.1); c.4728G>A, p.Arg1576= (NM_001407583.1, NM_001407585.1, NM_001407587.1 and 1 more transcripts); c.4725G>A, p.Arg1575= (NM_001407590.1, NM_001407591.1); c.4665G>A, p.Arg1555= (NM_001407593.1, NM_001407594.1, NM_001407596.1 and 8 more transcripts); c.4662G>A, p.Arg1554= (NM_001407610.1, NM_001407611.1, NM_001407612.1 and 17 more transcripts); c.4659G>A, p.Arg1553= (NM_001407627.1, NM_001407628.1, NM_001407629.1 and 14 more transcripts); c.4656G>A, p.Arg1552= (NM_001407644.1, NM_001407645.1); and 71 more.
Identifiers: ClinVar variation 240805 (VCV000240805.19), dbSNP rs878854952, ClinGen allele CA10583559.
Genomic context (GRCh38, chr17:43,074,341, plus strand): 5'-TTCAGAGTAAAATCAAAGTGTTTGTTCCAATACAGCAGATGAAATATTACCTAGATCTTG[C>T]CTTGGCAAGTAAGATGTTTCCGTCAAATCGTGTGGCCCAGACTCTTCCAGCTGTTGCTCC-3'
Protein context (NP_009225.1, residues 1545-1565): HDLTETSYLP[Arg1555=]QDLEGTPYLE